The following is an entry in ClinVar:

ClinVar aggregate classification (germline): Benign/Likely benign. Review status: criteria provided, multiple submitters, no conflicts (2 of 4 stars). 3 submissions from 3 submitters: Benign (1); Likely benign (2). Last evaluated 2026-06-02.

Conditions:
Hereditary cancer-predisposing syndrome. Also called: Tumor predisposition; Hereditary neoplastic syndrome; Hereditary Cancer Syndrome; Neoplastic Syndromes, Hereditary. Identifiers: Orphanet 140162, MedGen C0027672, MeSH D009386, MONDO:0015356.
Gastrointestinal stromal tumor. Also called: Gastrointestinal stroma tumor; Gastrointestinal stromal tumor, somatic. Identifiers: Orphanet 44890, MedGen C0238198, MeSH D046152, MONDO:0011719, OMIM 606764, HP:0100723.

Allele frequency attached by ClinVar (database versions not stated): gnomAD 0.00001.
gnomAD v4.1: 13 of 1,613,746 alleles (0.00081%); highest among the groups gnomAD compares: Non-Finnish European, 0.0011%; no homozygotes.

Submissions (3):

Myriad Genetics, Inc.
Classification: Benign for Gastrointestinal stromal tumor. Last evaluated: 2026-06-02. Review status: criteria provided, single submitter. Criteria: Myriad Autosomal Dominant, Autosomal Recessive and X-Linked Classification Criteria (2023). Collection method: clinical testing. Allele origin: unknown.
Comment: This variant is considered benign. This variant is a silent/synonymous amino acid change and it is not expected to impact splicing.

Labcorp Genetics (formerly Invitae), Labcorp
Classification: Likely benign for Gastrointestinal stromal tumor. Last evaluated: 2025-10-11. Review status: criteria provided, single submitter. Criteria: Invitae Variant Classification Sherloc (09022015). Collection method: clinical testing. Allele origin: germline.

Ambry Genetics
Classification: Likely benign for Hereditary cancer-predisposing syndrome. Last evaluated: 2020-03-16. Review status: criteria provided, single submitter. Criteria: Ambry Variant Classification Scheme 2023. Collection method: clinical testing. Allele origin: germline.

NM_000222.3(KIT):c.9C>G (p.Gly3=)

Gene: KIT (KIT proto-oncogene, receptor tyrosine kinase; plus strand). Cytogenetic location: 4q12.
Variant type: single nucleotide variant.
Coding change: c.9C>G on transcript NM_000222.3 (MANE Select); coding-DNA position 9, C replaced by G.
Protein change: p.Gly3=; no amino-acid change (glycine 3 retained).
Molecular consequence: synonymous variant.
Genome position (GRCh38, 1-based): chr4:54,658,023, C>G. VCF-style: chr4-54658023-C-G. GRCh37 (hg19) VCF-style: chr4-55524190-C-G.
Other names: c.9C>G, p.Gly3= (NM_001093772.2, NM_001385284.1, NM_001385285.1 and 4 more transcripts).
Identifiers: ClinVar variation 528632 (VCV000528632.15), dbSNP rs755780019, ClinGen allele CA2923113.